The following is an entry in ClinVar:

NM_000059.4(BRCA2):c.2168G>A (p.Ser723Asn)

Gene: BRCA2 (BRCA2 DNA repair associated; plus strand). Cytogenetic location: 13q13.1.
Variant type: single nucleotide variant.
Coding change: c.2168G>A on transcript NM_000059.4 (MANE Select); coding-DNA position 2168, G replaced by A.
Protein change: p.Ser723Asn; replaces serine 723 with asparagine.
Molecular consequence: missense variant.
Genome position (GRCh38, 1-based): chr13:32,336,523, G>A. VCF-style: chr13-32336523-G-A. GRCh37 (hg19) VCF-style: chr13-32910660-G-A.
Other names: c.2168G>A, p.Ser723Asn (NM_001406719.1, NM_001406720.1); short protein forms S723N.
Identifiers: ClinVar variation 1787014 (VCV001787014.5), dbSNP rs2137483887, ClinGen allele CA387770277.

ClinVar aggregate classification (germline): Conflicting classifications of pathogenicity. Review status: criteria provided, conflicting classifications (1 of 4 stars). 3 submissions from 3 submitters: Uncertain significance (2); Likely benign (1). Last evaluated 2025-05-13.

Conditions:
Hereditary cancer-predisposing syndrome. Also called: Neoplastic Syndromes, Hereditary; Tumor predisposition; Hereditary Cancer Syndrome; Hereditary neoplastic syndrome. Identifiers: Orphanet 140162, MedGen C0027672, MeSH D009386, MONDO:0015356.

Submissions (3):

Color Diagnostics, LLC DBA Color Health
Classification: Uncertain significance for Hereditary cancer-predisposing syndrome. Last evaluated: 2025-05-13. Review status: criteria provided, single submitter. Criteria: ACMG Guidelines, 2015. Collection method: clinical testing. Allele origin: germline.
Comment: This missense variant replaces serine with asparagine at codon 723 of the BRCA2 protein. Computational prediction suggests that this variant may not impact protein structure and function. To our knowledge, functional studies have not been reported for this variant. This variant has not been reported in individuals affected with BRCA2-related disorders in the literature. This variant has not been identified in the general population by the Genome Aggregation Database (gnomAD). The available evidence is insufficient to determine the role of this variant in disease conclusively. Therefore, this variant is classified as a Variant of Uncertain Significance.

University of Washington Department of Laboratory Medicine, University of Washington
Classification: Likely benign for Hereditary cancer-predisposing syndrome. Last evaluated: 2023-03-23. Review status: criteria provided, single submitter. Criteria: Dines et al. (Genet Med. 2020). Collection method: curation. Allele origin: germline.
Comment: Missense variant in a coldspot region where missense variants are very unlikely to be pathogenic (PMID:31911673).

BRCA2 exon 11 coldspot. Reclassification based on statistical prior probability.

Ambry Genetics
Classification: Uncertain significance for Hereditary cancer-predisposing syndrome. Last evaluated: 2020-03-18. Review status: criteria provided, single submitter. Criteria: Ambry Variant Classification Scheme 2023. Collection method: clinical testing. Allele origin: germline.
Comment: The p.S723N variant (also known as c.2168G>A), located in coding exon 10 of the BRCA2 gene, results from a G to A substitution at nucleotide position 2168. The serine at codon 723 is replaced by asparagine, an amino acid with highly similar properties. This amino acid position is not well conserved in available vertebrate species. In addition, this alteration is predicted to be tolerated by in silico analysis. Since supporting evidence is limited at this time, the clinical significance of this alteration remains unclear.